The following is an entry in ClinVar:

ClinVar aggregate classification (germline): Pathogenic. Review status: criteria provided, single submitter (1 of 4 stars). 2 submissions from 2 submitters: Pathogenic (1). 1 of the submissions does not count toward it. Last evaluated 2025-08-20.

Conditions:
Microcephaly 5, primary, autosomal recessive (MCPH5). Also called: ASPM Primary Microcephaly. Identifiers: Orphanet 2512, MedGen C1837501, MONDO:0012106, OMIM 608716.

Submissions (2):

GeneDx
Classification: Pathogenic. Last evaluated: 2025-08-20. Review status: criteria provided, single submitter. Criteria: GeneDx Variant Classification Process June 2021. Collection method: clinical testing. Allele origin: germline. Affected: yes.
Comment: Frameshift variant predicted to result in protein truncation or nonsense mediated decay in a gene for which loss of function is a known mechanism of disease; Not observed at significant frequency in large population cohorts (gnomAD); This variant is associated with the following publications: (PMID: 19028728, 29431480, 20301772, 26691732, 19808985)

GeneReviews
No classification provided. Condition: Microcephaly 5, primary, autosomal recessive. Review status: no classification provided. Collection method: literature only. Allele origin: unknown. Not counted in ClinVar's aggregate classification.

Literature cited by the submitters: PubMed 20301772 (cited by GeneReviews); NCBI Bookshelf NBK9587 (cited by GeneReviews).

NM_018136.5(ASPM):c.77del (p.Gly26fs)

Gene: ASPM (assembly factor for spindle microtubules; minus strand). Cytogenetic location: 1q31.3.
Variant type: Deletion.
Coding change: c.77del on transcript NM_018136.5 (MANE Select); coding-DNA position 77, one base deleted (G; older notation c.77delG).
Protein change: p.Gly26fs; shifts the reading frame from glycine 26.
Molecular consequence: frameshift variant.
Genome position (GRCh38, 1-based): chr1:197,146,361, C deleted on the plus strand (G on the coding strand, the reverse complement: ASPM is on the minus strand); the first of 4 consecutive C bases (chr1:197,146,361-197,146,364); deleting any one gives the same sequence. VCF-style (leftmost placement, unchanged base first): chr1-197146360-GC-G. GRCh37 (hg19) VCF-style: chr1-197115490-GC-G.
Other names: c.77del, p.Gly26fs (NM_001206846.2); c.77delG (NM_018136.4); short protein forms G26fs.
Identifiers: ClinVar variation 21607 (VCV000021607.6), dbSNP rs199422131, ClinGen allele CA342273.
Genomic context (GRCh38, chr1:197,146,360, plus strand): 5'-CCTGCAGAAGTGGCTGAGAGACAGGACCGGCGGGGAAGACGCCTCCTCCTCGGCCGCGGG[GC>G]CCCGCAGCCCCGCGGGCGGCCTCCGCTCGGTCGGGCTCACTTCCCAGCAGCCTCGCCCCA-3'